The following is an entry in ClinVar:

NC_000011.9:g.118374796_(118397548_?)dup

Gene: KMT2A (lysine methyltransferase 2A; plus strand).
Variant type: Duplication.
Identifiers: ClinVar variation 4887348 (VCV004887348.1).

ClinVar aggregate classification (germline): Uncertain significance (1 of 4 stars; one submission).

Submission:

Women's Health and Genetics/Laboratory Corporation of America, LabCorp
Classification: Uncertain significance. Last evaluated: 2026-06-10. Review status: criteria provided, single submitter. Criteria: LabCorp Variant Classification Summary - May 2015. Collection method: clinical testing. Allele origin: germline.
Comment: Variant summary: The variant involves the duplication of a part of exon 27 (which is a large exon) to exon 36 (i.e. the last exon) in the KMT2A gene. A presumed nomenclature of c.8189_(*4661_?)dup has been designated for the purposes of this classification. The exact breakpoint at the 3' end of this variant is unknown, therefore this duplication may extend downstream of the annotated region of the gene. As it duplicates the termination codon, its effect on the encoded protein is unknown. The variant was absent in 120774 control chromosomes in the gnomAD database (Structural Variants v4.1 dataset). On the other hand, a duplication that involves the entire exon 27 to exon 36 was reported in numerous samples, including 2 (perceived) homozygotes. The available data on variant occurrences in the general population are insufficient to allow any conclusion about variant significance. To our knowledge, no occurrence of c.8189_(*4661_?)dup in individuals affected with KMT2A-related conditions and no experimental evidence demonstrating its impact on protein function have been reported. No submitters have cited clinical-significance assessments for this variant to ClinVar. Based on the evidence outlined above, the variant was classified as uncertain significance.